The following is an entry in ClinVar:

ClinVar aggregate classification (germline): Likely pathogenic (1 of 4 stars; one submission).

Conditions:
Aortic valve disease 2 (AOVD2). Identifiers: MedGen C3542024, MONDO:0013902, OMIM 614823.

Submission:

New York Genome Center
Classification: Likely pathogenic for Aortic valve disease 2. Last evaluated: 2024-01-08. Review status: criteria provided, single submitter. Criteria: NYGC Assertion Criteria 2020. Collection method: clinical testing. Allele origin: inherited. Affected: yes. Observed: 1 variant allele, 1 heterozygote.
Comment: The inherited c.933del variant is the deletion of a single nucleotide within exon 3 of 4, and is predicted to lead to the frameshift of the protein at amino acid312/497 (p.(Ala312LeufsTer227). This variant is absent from population databases (gnomADv4.0, All of Us, BRAVO-TOPMed) suggesting it is not a common benignvariant in the populations represented in those databases. This variant is absent from ClinVar, and has been reported in one individual with Tetralogy of Fallot[PMID:28991257], where it is referred to as p.Thr311fs by non-HGVS nomenclature. Additional nonsense and frameshift variants downstream of the one identified herehave been reported in individuals with SMAD6-associated disorders (for Review [PMID:36414630]). Given its predicted deleterious nature, absence in population databases, identification in one reported individual in the literature and the presence of additional nonsense and frameshift variants reported downstream, the inherited c.933del, p.(Ala312LeufsTer227) variant is reported as Likely Pathogenic.

NM_005585.5(SMAD6):c.933del (p.Ala312fs)

Gene: SMAD6 (SMAD family member 6; plus strand). Cytogenetic location: 15q22.31.
Variant type: Deletion.
Coding change: c.933del on transcript NM_005585.5 (MANE Select); coding-DNA position 933, one base deleted (T; older notation c.933delT).
Protein change: p.Ala312fs; shifts the reading frame from alanine 312.
Molecular consequence: frameshift variant. On other transcripts: non-coding transcript variant (1).
Genome position (GRCh38, 1-based): chr15:66,716,479, T deleted. VCF-style (leftmost placement, unchanged base first): chr15-66716478-CT-C. GRCh37 (hg19) VCF-style: chr15-67008816-CT-C.
Other names: short protein forms A312fs.
Identifiers: ClinVar variation 4888327 (VCV004888327.1).